The following is an entry in ClinVar:

ClinVar aggregate classification (germline): Benign (1 of 4 stars; one submission).

Allele frequency attached by ClinVar (database versions not stated): gnomAD exomes 0.00028; ExAC 0.00088; gnomAD 0.00300; 1000 Genomes Project 0.00319; 1000 Genomes Project 30x 0.00359; ESP Exome Variant Server 0.00362; TOPMed 0.00368.
gnomAD v4.1: 891 of 1,599,366 alleles (0.056%); highest among the groups gnomAD compares: African/African-American, 1.1%; 6 homozygotes.

Submission:

CeGaT Center for Human Genetics Tuebingen
Classification: Benign. Last evaluated: 2022-06-01. Review status: criteria provided, single submitter. Criteria: CeGaT Center For Human Genetics Tuebingen Variant Classification Criteria Version 2. Collection method: clinical testing. Allele origin: germline. Affected: yes. Observed: 1 variant allele.
Comment: GRIA2: BS1, BS2

NM_001083619.3(GRIA2):c.1123A>G (p.Ile375Val)

Gene: GRIA2 (glutamate ionotropic receptor AMPA type subunit 2; plus strand). Cytogenetic location: 4q32.1.
Variant type: single nucleotide variant.
Coding change: c.1123A>G on transcript NM_001083619.3 (MANE Select); coding-DNA position 1123, A replaced by G.
Protein change: p.Ile375Val; replaces isoleucine 375 with valine.
Molecular consequence: missense variant.
Genome position (GRCh38, 1-based): chr4:157,333,321, A>G. VCF-style: chr4-157333321-A-G. GRCh37 (hg19) VCF-style: chr4-158254473-A-G.
Other names: c.1123A>G, p.Ile375Val (NM_000826.6); c.982A>G, p.Ile328Val (NM_001083620.3, NM_001379000.3, NM_001379001.3); short protein forms I328V, I375V.
Identifiers: ClinVar variation 2655155 (VCV002655155.24), dbSNP rs147370585, ClinGen allele CA3120321.